The following is an entry in ClinVar:

ClinVar aggregate classification (germline): Uncertain significance (1 of 4 stars; one submission).

Submission:

Labcorp Genetics (formerly Invitae), Labcorp
Classification: Uncertain significance. Last evaluated: 2023-12-22. Review status: criteria provided, single submitter. Criteria: Invitae Variant Classification Sherloc (09022015). Collection method: clinical testing. Allele origin: germline.
Comment: This sequence change replaces alanine, which is neutral and non-polar, with threonine, which is neutral and polar, at codon 779 of the LZTR1 protein (p.Ala779Thr). This variant is not present in population databases (gnomAD no frequency). This variant has not been reported in the literature in individuals affected with LZTR1-related conditions. Advanced modeling of protein sequence and biophysical properties (such as structural, functional, and spatial information, amino acid conservation, physicochemical variation, residue mobility, and thermodynamic stability) performed at Invitae indicates that this missense variant is not expected to disrupt LZTR1 protein function with a negative predictive value of 80%. In summary, the available evidence is currently insufficient to determine the role of this variant in disease. Therefore, it has been classified as a Variant of Uncertain Significance.

NM_006767.4(LZTR1):c.2335G>A (p.Ala779Thr)

Gene: LZTR1 (leucine zipper like post translational regulator 1; plus strand). Cytogenetic location: 22q11.21.
Variant type: single nucleotide variant.
Coding change: c.2335G>A on transcript NM_006767.4 (MANE Select); coding-DNA position 2335, G replaced by A.
Protein change: p.Ala779Thr; replaces alanine 779 with threonine.
Molecular consequence: missense variant.
Genome position (GRCh38, 1-based): chr22:20,996,895, G>A. VCF-style: chr22-20996895-G-A. GRCh37 (hg19) VCF-style: chr22-21351184-G-A.
Other names: short protein forms A779T.
Identifiers: ClinVar variation 2704855 (VCV002704855.3), dbSNP rs2518625988, ClinGen allele CA410780981.
Genomic context (GRCh38, chr22:20,996,895, plus strand): 5'-TCCCACTGAGTGGGTGAAAGGGGCAGCGCCTCAAGGTCCCTGCCATTGCAGATCCTGGAG[G>A]CAGCTGACAAAACGCAGGCACTGGACATGAAGCGGCACTGCCTGCACATCATTGTGCACC-3'
Protein context (NP_006758.2, residues 769-789): TVQNVLQILE[Ala779Thr]ADKTQALDMK